The following is an entry in ClinVar:

ClinVar aggregate classification (germline): Benign (1 of 4 stars; one submission).

Conditions:
Diamond-Blackfan anemia 3 (DBA3). Also called: RPS24-Related Diamond-Blackfan Anemia. Identifiers: Orphanet 124, MedGen C1857719, MONDO:0012529, OMIM 610629.

Allele frequency attached by ClinVar (database versions not stated): 1000 Genomes Project 30x 0.00016; 1000 Genomes Project 0.00020; gnomAD 0.00058 and 0.00060; TOPMed 0.00058; ESP Exome Variant Server 0.00100; gnomAD exomes 0.00082; ExAC 0.00099.
gnomAD v4.1: 1,775 of 1,613,844 alleles (0.11%); highest among the groups gnomAD compares: Non-Finnish European, 0.14%; 5 homozygotes.

Submission:

Illumina Laboratory Services, Illumina
Classification: Benign for Diamond-Blackfan anemia 3. Last evaluated: 2018-01-13. Review status: criteria provided, single submitter. Criteria: ICSL Variant Classification Criteria 13 December 2019. Collection method: clinical testing. Allele origin: germline.
Comment: This variant was observed in the ICSL laboratory as part of a predisposition screen in an ostensibly healthy population. It had not been previously curated by ICSL or reported in the Human Gene Mutation Database (HGMD: prior to June 1st, 2018), and was therefore a candidate for classification through an automated scoring system. Utilizing variant allele frequency, disease prevalence and penetrance estimates, and inheritance mode, an automated score was calculated to assess if this variant is too frequent to cause the disease. Based on the score and internal cut-off values, a variant classified as benign is not then subjected to further curation. The score for this variant resulted in a classification of benign for this disease.

NM_033022.4(RPS24):c.-36T>G

Genes: RPS24 (ribosomal protein S24; plus strand), LOC130004144 (ATAC-STARR-seq lymphoblastoid active region 3613; plus strand). Cytogenetic location: 10q22.3.
Variant type: single nucleotide variant.
Coding change: c.-36T>G on transcript NM_033022.4 (MANE Select); 36 bases upstream of the start codon, T replaced by G.
Molecular consequence: 5 prime UTR variant.
Genome position (GRCh38, 1-based): chr10:78,033,866, T>G. VCF-style: chr10-78033866-T-G. GRCh37 (hg19) VCF-style: chr10-79793624-T-G.
Other names: c.-36T>G (NM_001026.5, NM_001142282.2, NM_001142283.2 and 2 more transcripts).
Identifiers: ClinVar variation 301090 (VCV000301090.5), dbSNP rs45533232, ClinGen allele CA5571851.
Genomic context (GRCh38, chr10:78,033,866, plus strand): 5'-GGCTCTTCCCGGGGTCCTTCCGTGCGCGTTGATATGATTGGCCGGCGAATCGTGGTTCTC[T>G]TTTCCTCCTTGGCTGTCTGAAGATAGATCGCCATCATGGTGAGTCTCCCTGGGCCCGTGC-3'